The following is an entry in ClinVar:

ClinVar aggregate classification (germline): Likely pathogenic. Review status: criteria provided, multiple submitters, no conflicts (2 of 4 stars). 2 submissions from 2 submitters: Likely pathogenic (2). Last evaluated 2025-07-31.

Conditions:
Isolated growth hormone deficiency, type 5. Also called: PITUITARY HORMONE DEFICIENCY, COMBINED OR ISOLATED, 7. Identifiers: MedGen C4748435, MONDO:0032569, OMIM 618160.

Allele frequency attached by ClinVar (database versions not stated): TOPMed below 0.00001; gnomAD exomes 0.00001.
gnomAD v4.1: 13 of 1,409,292 alleles (0.00092%); highest among the groups gnomAD compares: Admixed American, 0.0033%; no homozygotes.

Submissions (2):

First Genomix Gene Laboratory, Genetic Diagnostics Department
Classification: Likely pathogenic for Isolated growth hormone deficiency, type 5. Last evaluated: 2025-07-31. Review status: criteria provided, single submitter. Criteria: ACMG Guidelines, 2015. Collection method: clinical testing. Allele origin: germline. Inheritance: Autosomal recessive inheritance. Affected: no. Observed: 1 variant allele.

Intergen Genetics and Rare Diseases Diagnosis Center
Classification: Likely pathogenic for Isolated growth hormone deficiency, type 5. Last evaluated: 2024-03-19. Review status: criteria provided, single submitter. Criteria: ACMG Guidelines, 2015. Collection method: clinical testing. Allele origin: germline. Inheritance: Autosomal recessive inheritance. Affected: no. Observed: 1 heterozygote.

NM_017619.4(RNPC3):c.894-2A>G

Gene: RNPC3 (RNA binding region (RNP1, RRM) containing 3; plus strand). Cytogenetic location: 1p21.1.
Variant type: single nucleotide variant.
Coding change: c.894-2A>G on transcript NM_017619.4 (MANE Select); the canonical splice acceptor site of the intron before coding-DNA position 894, A replaced by G.
Molecular consequence: splice acceptor variant.
Genome position (GRCh38, 1-based): chr1:103,543,294, A>G. VCF-style: chr1-103543294-A-G. GRCh37 (hg19) VCF-style: chr1-104085916-A-G.
Identifiers: ClinVar variation 3062137 (VCV003062137.2), dbSNP rs1292326578, ClinGen allele CA341222073.